The following is an entry in ClinVar:

NM_001130438.3(SPTAN1):c.2593C>G (p.Leu865Val)

Gene: SPTAN1 (spectrin alpha, non-erythrocytic 1; plus strand). Cytogenetic location: 9q34.11.
Variant type: single nucleotide variant.
Coding change: c.2593C>G on transcript NM_001130438.3 (MANE Select); coding-DNA position 2593, C replaced by G.
Protein change: p.Leu865Val; replaces leucine 865 with valine.
Molecular consequence: missense variant.
Genome position (GRCh38, 1-based): chr9:128,585,780, C>G. VCF-style: chr9-128585780-C-G. GRCh37 (hg19) VCF-style: chr9-131348059-C-G.
Other names: c.2593C>G, p.Leu865Val (NM_001195532.2, NM_001363759.2, NM_001363765.2 and 5 more transcripts); c.2629C>G, p.Leu877Val (NM_001375312.2, NM_001375318.1); short protein forms L865V, L877V.
Identifiers: ClinVar variation 3389341 (VCV003389341.14).

ClinVar aggregate classification (germline): Uncertain significance (1 of 4 stars; one submission).

Submission:

CeGaT Center for Human Genetics Tuebingen
Classification: Uncertain significance. Last evaluated: 2024-11-01. Review status: criteria provided, single submitter. Criteria: CeGaT Center For Human Genetics Tuebingen Variant Classification Criteria Version 2. Collection method: clinical testing. Allele origin: germline. Affected: yes. Observed: 1 variant allele.
Comment: SPTAN1: PM2